The following is an entry in ClinVar:

ClinVar aggregate classification (germline): Likely pathogenic (1 of 4 stars; one submission).

Conditions:
Left ventricular noncompaction 7 (LVNC7). Identifiers: Orphanet 54260, MedGen C3554496, MONDO:0014042, OMIM 615092.

gnomAD v4.1: 1 of 1,611,728 alleles (0.000062%); highest among the groups gnomAD compares: Non-Finnish European, 0.000085%; no homozygotes.

Submission:

Institute of Immunology and Genetics Kaiserslautern
Classification: Likely pathogenic for Left ventricular noncompaction 7. Last evaluated: 2025-07-10. Review status: criteria provided, single submitter. Criteria: ACMG Guidelines, 2015. Collection method: clinical testing. Allele origin: germline. Affected: yes.
Comment: ACMG Criteria: PVS1, PM2; Variant was found in heterozygous state.

NM_020774.4(MIB1):c.2212-2A>T

Gene: MIB1 (MIB E3 ubiquitin protein ligase 1; plus strand). Cytogenetic location: 18q11.2.
Variant type: single nucleotide variant.
Coding change: c.2212-2A>T on transcript NM_020774.4 (MANE Select); the canonical splice acceptor site of the intron before coding-DNA position 2212, A replaced by T.
Molecular consequence: splice acceptor variant.
Genome position (GRCh38, 1-based): chr18:21,846,942, A>T. VCF-style: chr18-21846942-A-T. GRCh37 (hg19) VCF-style: chr18-19426903-A-T.
Identifiers: ClinVar variation 4074747 (VCV004074747.1).